The following is an entry in ClinVar:

NM_012210.4(TRIM32):c.99T>C (p.Arg33=)

Genes: ASTN2 (astrotactin 2; minus strand), TRIM32 (tripartite motif containing 32; plus strand). Cytogenetic location: 9q33.1.
Variant type: single nucleotide variant.
Coding change: c.99T>C on transcript NM_012210.4 (MANE Select); coding-DNA position 99, T replaced by C.
Protein change: p.Arg33=; no amino-acid change (arginine 33 retained).
Molecular consequence: synonymous variant. On other transcripts: intron variant (3).
Genome position (GRCh38, 1-based): chr9:116,697,841, T>C. VCF-style: chr9-116697841-T-C. GRCh37 (hg19) VCF-style: chr9-119460120-T-C.
Other names: c.99T>C, p.Arg33= (NM_001099679.2, NM_001379048.1, NM_001379049.1 and 1 more transcripts); c.2653+27930A>G (NM_014010.5); c.2794+27930A>G (NM_001365069.1); c.2806+27930A>G (NM_001365068.1).
Identifiers: ClinVar variation 1077195 (VCV001077195.12), dbSNP rs1057202035, ClinGen allele CA198768984.

ClinVar aggregate classification (germline): Likely benign. Review status: criteria provided, multiple submitters, no conflicts (2 of 4 stars). 3 submissions from 3 submitters: Likely benign (2). 1 of the submissions does not count toward it. Last evaluated 2025-11-10.

Conditions:
TRIM32-related disorder. Also called: TRIM32-related condition.
Bardet-Biedl syndrome (BBS). Identifiers: Orphanet 110, MedGen C0752166, MONDO:0015229.

Allele frequency attached by ClinVar (database versions not stated): gnomAD exomes below 0.00001 and 0.00002; gnomAD 0.00001.
gnomAD v4.1: 32 of 1,614,054 alleles (0.002%); highest among the groups gnomAD compares: Non-Finnish European, 0.0027%; no homozygotes.

Submissions (3):

Labcorp Genetics (formerly Invitae), Labcorp
Classification: Likely benign for Bardet-Biedl syndrome. Last evaluated: 2025-11-10. Review status: criteria provided, single submitter. Criteria: Invitae Variant Classification Sherloc (09022015). Collection method: clinical testing. Allele origin: germline.

Blueprint Genetics
Classification: Likely benign. Last evaluated: 2023-05-15. Review status: criteria provided, single submitter. Criteria: ACMG Guidelines, 2015. Collection method: clinical testing. Allele origin: germline.

PreventionGenetics, part of Exact Sciences
Classification: Likely benign for TRIM32-related condition. Last evaluated: 2022-12-08. Review status: no assertion criteria provided. Collection method: clinical testing. Allele origin: germline. Not counted in ClinVar's aggregate classification.
Comment: This variant is classified as likely benign based on ACMG/AMP sequence variant interpretation guidelines (Richards et al. 2015 PMID: 25741868, with internal and published modifications).